The following is an entry in ClinVar:

ClinVar aggregate classification (germline): Uncertain significance (1 of 4 stars; one submission).

Conditions:
Brody myopathy. Also called: BRODY DISEASE. Identifiers: Orphanet 53347, MedGen C1832918, MONDO:0010977, OMIM 601003.

gnomAD v4.1: 12 of 1,614,064 alleles (0.00074%); highest among the groups gnomAD compares: African/African-American, 0.0013%; no homozygotes.

Submission:

Labcorp Genetics (formerly Invitae), Labcorp
Classification: Uncertain significance for Brody myopathy. Last evaluated: 2022-08-20. Review status: criteria provided, single submitter. Criteria: Invitae Variant Classification Sherloc (09022015). Collection method: clinical testing. Allele origin: germline.
Comment: This sequence change replaces arginine, which is basic and polar, with glycine, which is neutral and non-polar, at codon 567 of the ATP2A1 protein (p.Arg567Gly). This variant is not present in population databases (gnomAD no frequency). This variant has not been reported in the literature in individuals affected with ATP2A1-related conditions. Algorithms developed to predict the effect of missense changes on protein structure and function are either unavailable or do not agree on the potential impact of this missense change (SIFT: "Tolerated"; PolyPhen-2: "Possibly Damaging"; Align-GVGD: "Class C0"). In summary, the available evidence is currently insufficient to determine the role of this variant in disease. Therefore, it has been classified as a Variant of Uncertain Significance.

NM_004320.6(ATP2A1):c.1699C>G (p.Arg567Gly)

Gene: ATP2A1 (ATPase sarcoplasmic/endoplasmic reticulum Ca2+ transporting 1; plus strand). Cytogenetic location: 16p11.2.
Variant type: single nucleotide variant.
Coding change: c.1699C>G on transcript NM_004320.6 (MANE Select); coding-DNA position 1699, C replaced by G.
Protein change: p.Arg567Gly; replaces arginine 567 with glycine.
Molecular consequence: missense variant.
Genome position (GRCh38, 1-based): chr16:28,898,386, C>G. VCF-style: chr16-28898386-C-G. GRCh37 (hg19) VCF-style: chr16-28909707-C-G.
Other names: c.1324C>G, p.Arg442Gly (NM_001286075.2); c.1699C>G, p.Arg567Gly (NM_173201.5); short protein forms R567G, R442G.
Identifiers: ClinVar variation 2087238 (VCV002087238.1), dbSNP rs978609717, ClinGen allele CA279238660.